The following is an entry in ClinVar:

NM_001868.4(CPA1):c.197G>C (p.Arg66Pro)

Gene: CPA1 (carboxypeptidase A1; plus strand). Cytogenetic location: 7q32.2.
Variant type: single nucleotide variant.
Coding change: c.197G>C on transcript NM_001868.4 (MANE Select); coding-DNA position 197, G replaced by C.
Protein change: p.Arg66Pro; replaces arginine 66 with proline.
Molecular consequence: missense variant.
Genome position (GRCh38, 1-based): chr7:130,381,679, G>C. VCF-style: chr7-130381679-G-C. GRCh37 (hg19) VCF-style: chr7-130021520-G-C.
Other names: short protein forms R66P.
Identifiers: ClinVar variation 1783784 (VCV001783784.3), dbSNP rs201332778, ClinGen allele CA369279741.

ClinVar aggregate classification (germline): Uncertain significance (1 of 4 stars; one submission).

Conditions:
Hereditary pancreatitis (PCTT). Also called: Hereditary chronic pancreatitis; PRSS1-Related Hereditary Pancreatitis. Identifiers: Orphanet 676, MedGen C0238339, MONDO:0008185, OMIM 167800.

gnomAD v4.1: 1 of 1,614,006 alleles (0.000062%); highest among the groups gnomAD compares: African/African-American, 0.0013%; no homozygotes.

Submission:

Ambry Genetics
Classification: Uncertain significance for Hereditary pancreatitis. Last evaluated: 2025-03-10. Review status: criteria provided, single submitter. Criteria: Ambry Variant Classification Scheme 2023. Collection method: clinical testing. Allele origin: germline.
Comment: The p.R66P variant (also known as c.197G>C), located in coding exon 3 of the CPA1 gene, results from a G to C substitution at nucleotide position 197. The arginine at codon 66 is replaced by proline, an amino acid with dissimilar properties. This amino acid position is conserved. In addition, the in silico prediction for this alteration is inconclusive. Since supporting evidence is limited at this time, the clinical significance of this alteration remains unclear.